The following is an entry in ClinVar:

ClinVar aggregate classification (germline): Uncertain significance (1 of 4 stars; one submission).

Conditions:
Early-infantile DEE. Also called: Ohtahara syndrome; Early infantile epileptic encephalopathy; Early infantile epileptic encephalopathy with suppression bursts. Identifiers: Orphanet 1934, MedGen C0393706, MONDO:0800491.

Submission:

Labcorp Genetics (formerly Invitae), Labcorp
Classification: Uncertain significance for Early-infantile DEE. Last evaluated: 2025-10-07. Review status: criteria provided, single submitter. Criteria: Invitae Variant Classification Sherloc (09022015). Collection method: clinical testing. Allele origin: germline.
Comment: This sequence change falls in intron 20 of the SCN1A gene. It does not directly change the encoded amino acid sequence of the SCN1A protein. However, this sequence change falls within a region encompassing a cryptic exon in the SCN1A gene, in which variants have been shown to alter splicing (PMID: 30526861, 34107977). This variant is not present in population databases (gnomAD no frequency). This variant has not been reported in the literature in individuals affected with SCN1A-related conditions. ClinVar contains an entry for this variant (Variation ID: 2782378). Algorithms developed to predict the effect of sequence changes on RNA splicing suggest that this variant is not likely to affect RNA splicing. In summary, the available evidence is currently insufficient to determine the role of this variant in disease. Therefore, it has been classified as a Variant of Uncertain Significance.

Literature cited by the submitters: PubMed 30526861; PubMed 34107977.

NM_001165963.4(SCN1A):c.4002+2588A>C

Genes: SCN1A (sodium voltage-gated channel alpha subunit 1; minus strand), LOC102724058 (uncharacterized LOC102724058; plus strand). Cytogenetic location: 2q24.3.
Variant type: single nucleotide variant.
Coding change: c.4002+2588A>C on transcript NM_001165963.4 (MANE Select); 2588 bases into the intron after coding-DNA position 4002, A replaced by C.
Molecular consequence: intron variant.
Genome position (GRCh38, 1-based): chr2:166,007,131, T>G on the plus strand (A>C on the coding strand, the complement: SCN1A is on the minus strand). VCF-style: chr2-166007131-T-G. GRCh37 (hg19) VCF-style: chr2-166863641-T-G.
Other names: c.3969+2588A>C (NM_001353949.2, NM_001353950.2, NM_001353951.2 and 2 more transcripts); c.3918+2588A>C (NM_001353958.2, NM_001353957.2, NM_001165964.3); c.4002+2588A>C (NM_001202435.3, NM_001353948.2); c.3966+2588A>C (NM_001353955.2, NM_001353954.2); c.3915+2588A>C (NM_001353960.2); c.1560+2588A>C (NM_001353961.2).
Identifiers: ClinVar variation 2782378 (VCV002782378.3), dbSNP rs886876019, ClinGen allele CA59771503.